The following is an entry in ClinVar:

NC_000007.13:g.(?_56079455)_(56085092_?)del

Gene: PSPH (phosphoserine phosphatase; minus strand). Cytogenetic location: 7p11.2.
Variant type: Deletion.
Identifiers: ClinVar variation 1443927 (VCV001443927.5).

ClinVar aggregate classification (germline): Uncertain significance (1 of 4 stars; one submission).

Conditions:
Deficiency of phosphoserine phosphatase (PSPHD). Also called: PSPH deficiency; Phosphoserine phosphatase deficiency. Identifiers: Orphanet 79350, MedGen C1291463, MONDO:0013531, OMIM 614023.

Submission:

Labcorp Genetics (formerly Invitae), Labcorp
Classification: Uncertain significance for Deficiency of phosphoserine phosphatase. Last evaluated: 2023-11-27. Review status: criteria provided, single submitter. Criteria: Invitae Variant Classification Sherloc (09022015). Collection method: clinical testing. Allele origin: germline.
Comment: This variant is a gross deletion of the genomic region encompassing exon(s) 6-8 of the PSPH gene, which includes the termination codon. This deletion extends beyond the assayed region for this gene and therefore may encompass additional genes. While this deletion is not anticipated to lead to nonsense mediated decay, it is expected to alter mRNA translation or result in a truncated protein product. This variant has not been reported in the literature in individuals affected with PSPH-related conditions. Experimental studies and prediction algorithms are not available or were not evaluated, and the functional significance of this variant is currently unknown. In summary, the available evidence is currently insufficient to determine the role of this variant in disease. Therefore, it has been classified as a Variant of Uncertain Significance.